The following is an entry in ClinVar:

NM_000051.4(ATM):c.8010+11A>C

Genes: ATM (ATM serine/threonine kinase; plus strand), C11orf65 (chromosome 11 open reading frame 65; minus strand). Cytogenetic location: 11q22.3.
Variant type: single nucleotide variant.
Coding change: c.8010+11A>C on transcript NM_000051.4 (MANE Select); 11 bases into the intron after coding-DNA position 8010, A replaced by C.
Molecular consequence: intron variant.
Genome position (GRCh38, 1-based): chr11:108,333,979, A>C. VCF-style: chr11-108333979-A-C. GRCh37 (hg19) VCF-style: chr11-108204706-A-C.
Other names: c.8010+11A>C (NM_001351834.2); c.641-24908T>G (NM_001330368.2); c.*38+1241T>G (NM_001351110.2).
Identifiers: ClinVar variation 385292 (VCV000385292.11), dbSNP rs760588708, ClinGen allele CA6266235.

ClinVar aggregate classification (germline): Likely benign. Review status: criteria provided, multiple submitters, no conflicts (2 of 4 stars). 3 submissions from 3 submitters: Likely benign (3). Last evaluated 2026-01-11.

Conditions:
Hereditary cancer-predisposing syndrome. Also called: Neoplastic Syndromes, Hereditary; Hereditary Cancer Syndrome; Tumor predisposition; Hereditary neoplastic syndrome. Identifiers: Orphanet 140162, MedGen C0027672, MeSH D009386, MONDO:0015356.
Ataxia-telangiectasia syndrome (AT). Also called: LOUIS-BAR SYNDROME; Cerebello-oculocutaneous telangiectasia; Immunodeficiency with ataxia telangiectasia; Ataxia-telangiectasia, complementation group D; AT, COMPLEMENTATION GROUP C; Ataxia-telangiectasia, complementation group E. Identifiers: Orphanet 100, MedGen C0004135, MONDO:0008840, OMIM 208900.

Allele frequency attached by ClinVar (database versions not stated): gnomAD exomes below 0.00001; TOPMed below 0.00001; ExAC 0.00001.

Submissions (3):

Labcorp Genetics (formerly Invitae), Labcorp
Classification: Likely benign for Ataxia-telangiectasia syndrome. Last evaluated: 2026-01-11. Review status: criteria provided, single submitter. Criteria: Invitae Variant Classification Sherloc (09022015). Collection method: clinical testing. Allele origin: germline.

Color Diagnostics, LLC DBA Color Health
Classification: Likely benign for Hereditary cancer-predisposing syndrome. Last evaluated: 2017-01-25. Review status: criteria provided, single submitter. Criteria: ACMG Guidelines, 2015. Collection method: clinical testing. Allele origin: germline.

GeneDx
Classification: Likely benign. Last evaluated: 2016-03-30. Review status: criteria provided, single submitter. Criteria: GeneDx Variant Classification (06012015). Collection method: clinical testing. Allele origin: germline. Affected: yes.
Comment: This variant is considered likely benign or benign based on one or more of the following criteria: it is a conservative change, it occurs at a poorly conserved position in the protein, it is predicted to be benign by multiple in silico algorithms, and/or has population frequency not consistent with disease.